The following is an entry in ClinVar:

ClinVar aggregate classification (germline): Uncertain significance. Review status: criteria provided, multiple submitters, no conflicts (2 of 4 stars). 3 submissions from 3 submitters: Uncertain significance (3). Last evaluated 2024-10-21.

Conditions:
Inborn genetic diseases. Identifiers: MedGen C0950123, MeSH D030342.
Joubert syndrome 21 (JBTS21). Identifiers: MedGen C3810212, MONDO:0014288, OMIM 615636.

Allele frequency attached by ClinVar (database versions not stated): gnomAD exomes 0.00002; ExAC 0.00010; gnomAD 0.00015 and 0.00016; TOPMed 0.00015; 1000 Genomes Project 30x 0.00031; ESP Exome Variant Server 0.00033; 1000 Genomes Project 0.00040.
gnomAD v4.1: 54 of 1,613,992 alleles (0.0033%); highest among the groups gnomAD compares: African/African-American, 0.063%; no homozygotes.

Submissions (3):

Labcorp Genetics (formerly Invitae), Labcorp
Classification: Uncertain significance for Joubert syndrome 21. Last evaluated: 2024-10-21. Review status: criteria provided, single submitter. Criteria: Invitae Variant Classification Sherloc (09022015). Collection method: clinical testing. Allele origin: germline.
Comment: This sequence change replaces arginine, which is basic and polar, with serine, which is neutral and polar, at codon 448 of the CSPP1 protein (p.Arg448Ser). This variant is present in population databases (rs377385599, gnomAD 0.1%). This variant has not been reported in the literature in individuals affected with CSPP1-related conditions. ClinVar contains an entry for this variant (Variation ID: 939988). An algorithm developed to predict the effect of missense changes on protein structure and function (PolyPhen-2) suggests that this variant¬†is likely to be tolerated. In summary, the available evidence is currently insufficient to determine the role of this variant in disease. Therefore, it has been classified as a Variant of Uncertain Significance.

Ambry Genetics
Classification: Uncertain significance for Inborn genetic diseases. Last evaluated: 2024-01-09. Review status: criteria provided, single submitter. Criteria: Ambry Variant Classification Scheme 2023. Collection method: clinical testing. Allele origin: germline.

GeneDx
Classification: Uncertain significance. Last evaluated: 2022-02-08. Review status: criteria provided, single submitter. Criteria: GeneDx Variant Classification Process June 2021. Collection method: clinical testing. Allele origin: germline. Affected: yes.
Comment: In silico analysis supports that this missense variant does not alter protein structure/function; Has not been previously published as pathogenic or benign to our knowledge

NM_001382391.1(CSPP1):c.1359A>C (p.Arg453Ser)

Gene: CSPP1 (centrosome and spindle pole associated protein 1; plus strand). Cytogenetic location: 8q13.2.
Variant type: single nucleotide variant.
Coding change: c.1359A>C on transcript NM_001382391.1 (MANE Select); coding-DNA position 1359, A replaced by C.
Protein change: p.Arg453Ser; replaces arginine 453 with serine.
Molecular consequence: missense variant.
Genome position (GRCh38, 1-based): chr8:67,115,985, A>C. VCF-style: chr8-67115985-A-C. GRCh37 (hg19) VCF-style: chr8-68028220-A-C.
Other names: c.462A>C, p.Arg154Ser (NM_001291339.2); c.1278A>C, p.Arg426Ser (NM_001363131.2); c.1317A>C, p.Arg439Ser (NM_001363132.2); c.1236A>C, p.Arg412Ser (NM_001363133.2); c.1425A>C, p.Arg475Ser (NM_001364869.1); c.1245A>C, p.Arg415Ser (NM_001364870.1); c.1344A>C, p.Arg448Ser (NM_024790.7); short protein forms R453S, R475S, R426S, R415S, R154S, R412S, R439S, R448S.
Identifiers: ClinVar variation 939988 (VCV000939988.9), dbSNP rs377385599, ClinGen allele CA4770522.